The following is an entry in ClinVar:

NM_000256.3(MYBPC3):c.1227-14C>A

Gene: MYBPC3 (myosin binding protein C3; minus strand). Cytogenetic location: 11p11.2.
Variant type: single nucleotide variant.
Coding change: c.1227-14C>A on transcript NM_000256.3 (MANE Select); 14 bases into the intron before coding-DNA position 1227, C replaced by A.
Molecular consequence: intron variant.
Genome position (GRCh38, 1-based): chr11:47,343,159, G>T on the plus strand (C>A on the coding strand, the complement: MYBPC3 is on the minus strand). VCF-style: chr11-47343159-G-T. GRCh37 (hg19) VCF-style: chr11-47364710-G-T.
Identifiers: ClinVar variation 4758869 (VCV004758869.1).

ClinVar aggregate classification (germline): Uncertain significance (1 of 4 stars; one submission).

Conditions:
Cardiomyopathy (CMYO). Also called: Cardiomyopathies. Identifiers: Orphanet 167848, MedGen C0878544, MONDO:0004994, HP:0001638. Inheritance: Various modes of inheritance.

gnomAD v4.1: 2 of 1,606,914 alleles (0.00012%); highest among the groups gnomAD compares: South Asian, 0.0011%; no homozygotes.

Submission:

Color Diagnostics, LLC DBA Color Health
Classification: Uncertain significance for Cardiomyopathy. Last evaluated: 2025-07-14. Review status: criteria provided, single submitter. Criteria: ACMG Guidelines, 2015. Collection method: clinical testing. Allele origin: germline.
Comment: This variant causes a C to A nucleotide substitution at the -14 position of intron 14 of the MYBPC3 gene. Splice site prediction tools are inconclusive regarding the impact of this variant on RNA splicing. To our knowledge, RNA studies have not been reported for this variant. This variant has not been reported in individuals affected with MYBPC3-related disorders in the literature. This variant has been identified in 1/237964 chromosomes in the general population by the Genome Aggregation Database (gnomAD). The available evidence is insufficient to determine the role of this variant in disease conclusively. Therefore, this variant is classified as a Variant of Uncertain Significance.